The following is an entry in ClinVar:

NM_002519.3(NPAT):c.2150C>T (p.Ser717Phe)

Gene: NPAT (nuclear protein, coactivator of histone transcription; minus strand). Cytogenetic location: 11q22.3.
Variant type: single nucleotide variant.
Coding change: c.2150C>T on transcript NM_002519.3 (MANE Select); coding-DNA position 2150, C replaced by T.
Protein change: p.Ser717Phe; replaces serine 717 with phenylalanine.
Molecular consequence: missense variant.
Genome position (GRCh38, 1-based): chr11:108,172,834, G>A on the plus strand (C>T on the coding strand, the complement: NPAT is on the minus strand). VCF-style: chr11-108172834-G-A. GRCh37 (hg19) VCF-style: chr11-108043561-G-A.
Other names: c.2150C>T (NM_002519.2); c.2150C>T, p.Ser717Phe (NM_001321307.1); short protein forms S717F.
Identifiers: ClinVar variation 2872937 (VCV002872937.4), dbSNP rs201186765, ClinGen allele CA228383934.

ClinVar aggregate classification (germline): Uncertain significance. Review status: criteria provided, multiple submitters, no conflicts (2 of 4 stars). 2 submissions from 2 submitters: Uncertain significance (2). Last evaluated 2025-03-26.

Allele frequency attached by ClinVar (database versions not stated): gnomAD 0.00001; TOPMed 0.00001; gnomAD exomes 0.00002.
gnomAD v4.1: 30 of 1,613,678 alleles (0.0019%); highest among the groups gnomAD compares: Non-Finnish European, 0.0025%; no homozygotes.

Submissions (2):

Ambry Genetics
Classification: Uncertain significance. Last evaluated: 2025-03-26. Review status: criteria provided, single submitter. Criteria: Ambry Variant Classification Scheme 2023. Collection method: clinical testing. Allele origin: germline.

Labcorp Genetics (formerly Invitae), Labcorp
Classification: Uncertain significance. Last evaluated: 2023-06-15. Review status: criteria provided, single submitter. Criteria: Invitae Variant Classification Sherloc (09022015). Collection method: clinical testing. Allele origin: germline.
Comment: This sequence change replaces serine, which is neutral and polar, with phenylalanine, which is neutral and non-polar, at codon 717 of the NPAT protein (p.Ser717Phe). This variant is present in population databases (rs201186765, gnomAD 0.0009%). This variant has not been reported in the literature in individuals affected with NPAT-related conditions. An algorithm developed to predict the effect of missense changes on protein structure and function (PolyPhen-2) suggests that this variant is likely to be tolerated. In summary, the available evidence is currently insufficient to determine the role of this variant in disease. Therefore, it has been classified as a Variant of Uncertain Significance.